The following is an entry in ClinVar:

NM_139058.3(ARX):c.374C>T (p.Ala125Val)

Genes: ARX (aristaless related homeobox; minus strand), LOC109610631 (aristaless related homeobox polyalanine expansion region; plus strand). Cytogenetic location: Xp21.3.
Variant type: single nucleotide variant.
Coding change: c.374C>T on transcript NM_139058.3 (MANE Select); coding-DNA position 374, C replaced by T.
Protein change: p.Ala125Val; replaces alanine 125 with valine.
Molecular consequence: missense variant.
Genome position (GRCh38, 1-based): chrX:25,013,621, G>A on the plus strand (C>T on the coding strand, the complement: ARX is on the minus strand). VCF-style: chrX-25013621-G-A. GRCh37 (hg19) VCF-style: chrX-25031738-G-A.
Other names: c.374C>T (NM_139058.2); short protein forms A125V.
Identifiers: ClinVar variation 4787670 (VCV004787670.3).

ClinVar aggregate classification (germline): Uncertain significance. Review status: criteria provided, multiple submitters, no conflicts (2 of 4 stars). 3 submissions from 3 submitters: Uncertain significance (3). Last evaluated 2026-05-20.

Conditions:
Intellectual disability, X-linked, with or without seizures, ARX-related. Also called: MENTAL RETARDATION, X-LINKED 29; MENTAL RETARDATION, X-LINKED 32; MENTAL RETARDATION, X-LINKED 33; MENTAL RETARDATION, X-LINKED 38; MENTAL RETARDATION, X-LINKED 43; MENTAL RETARDATION, X-LINKED 76. Identifiers: Orphanet 777, MedGen C0796244, MONDO:0010317, OMIM 300419.
Developmental and epileptic encephalopathy, 1 (DEE1). Also called: INFANTILE SPASM SYNDROME, X-LINKED 1; X-linked infantile spasms; West's syndrome; Tonic spasms with clustering, arrest of psychomotor development and hypsarrhythmia on EEG; X-Linked Infantile Spasm Syndrome; OHTAHARA SYNDROME, X-LINKED. Identifiers: MedGen C3463992, MONDO:0010632, OMIM 308350. Disease mechanism: loss of function.
Inborn genetic diseases. Identifiers: MedGen C0950123, MeSH D030342.

gnomAD v4.1: 2 of 750,743 alleles (0.00027%); highest among the groups gnomAD compares: Non-Finnish European, 0.00031%; no homozygotes.

Submissions (3):

Ambry Genetics
Classification: Uncertain significance for Inborn genetic diseases. Last evaluated: 2026-05-20. Review status: criteria provided, single submitter. Criteria: Ambry Variant Classification Scheme 2023. Collection method: clinical testing. Allele origin: germline.

Labcorp Genetics (formerly Invitae), Labcorp
Classification: Uncertain significance for Developmental and epileptic encephalopathy, 1; Intellectual disability, X-linked, with or without seizures, ARX-related. Last evaluated: 2026-02-03. Review status: criteria provided, single submitter. Criteria: Invitae Variant Classification Sherloc (09022015). Collection method: clinical testing. Allele origin: germline.
Comment: This sequence change replaces alanine, which is neutral and non-polar, with valine, which is neutral and non-polar, at codon 125 of the ARX protein (p.Ala125Val). The frequency data for this variant in the population databases is considered unreliable, as metrics indicate insufficient coverage at this position in the gnomAD database. This variant has not been reported in the literature in individuals affected with ARX-related conditions. Invitae Evidence Modeling of protein sequence and biophysical properties (such as structural, functional, and spatial information, amino acid conservation, physicochemical variation, residue mobility, and thermodynamic stability) indicates that this missense variant is not expected to disrupt ARX protein function with a negative predictive value of 95%. In summary, the available evidence is currently insufficient to determine the role of this variant in disease. Therefore, it has been classified as a Variant of Uncertain Significance.

Blueprint Genetics
Classification: Uncertain significance. Last evaluated: 2018-05-11. Review status: criteria provided, single submitter. Criteria: ACMG Guidelines, 2015. Collection method: clinical testing. Allele origin: germline.